The following is an entry in ClinVar:

ClinVar aggregate classification (germline): Uncertain significance (1 of 4 stars; one submission).

Conditions:
Primary ciliary dyskinesia. Also called: Ciliary dyskinesia. Identifiers: Orphanet 244, MedGen C0008780, MONDO:0016575, HP:0012265.

Submission:

Labcorp Genetics (formerly Invitae), Labcorp
Classification: Uncertain significance for Primary ciliary dyskinesia. Last evaluated: 2024-02-05. Review status: criteria provided, single submitter. Criteria: Invitae Variant Classification Sherloc (09022015). Collection method: clinical testing. Allele origin: germline.
Comment: This sequence change replaces methionine, which is neutral and non-polar, with threonine, which is neutral and polar, at codon 206 of the DNAH11 protein (p.Met206Thr). This variant is not present in population databases (gnomAD no frequency). This variant has not been reported in the literature in individuals affected with DNAH11-related conditions. ClinVar contains an entry for this variant (Variation ID: 2001287). Advanced modeling of protein sequence and biophysical properties (such as structural, functional, and spatial information, amino acid conservation, physicochemical variation, residue mobility, and thermodynamic stability) performed at Invitae indicates that this missense variant is not expected to disrupt DNAH11 protein function with a negative predictive value of 95%. In summary, the available evidence is currently insufficient to determine the role of this variant in disease. Therefore, it has been classified as a Variant of Uncertain Significance.

NM_001277115.2(DNAH11):c.617T>C (p.Met206Thr)

Gene: DNAH11 (dynein axonemal heavy chain 11; plus strand). Cytogenetic location: 7p15.3.
Variant type: single nucleotide variant.
Coding change: c.617T>C on transcript NM_001277115.2 (MANE Select); coding-DNA position 617, T replaced by C.
Protein change: p.Met206Thr; replaces methionine 206 with threonine.
Molecular consequence: missense variant.
Genome position (GRCh38, 1-based): chr7:21,558,923, T>C. VCF-style: chr7-21558923-T-C. GRCh37 (hg19) VCF-style: chr7-21598541-T-C.
Other names: c.617T>C, p.Met206Thr (NM_003777.3); short protein forms M206T.
Identifiers: ClinVar variation 2001287 (VCV002001287.4), dbSNP rs1375355712, ClinGen allele CA366932522.